The following is an entry in ClinVar:

ClinVar aggregate classification (germline): Uncertain significance. Review status: criteria provided, multiple submitters, no conflicts (2 of 4 stars). 2 submissions from 2 submitters: Uncertain significance (2). Last evaluated 2023-12-26.

Conditions:
Maturity-onset diabetes of the young (MODY). Also called: Maturity onset diabetes mellitus in young. Identifiers: Orphanet 552, MedGen C0342276, MONDO:0018911, HP:0004904.
Type 2 diabetes mellitus. Also called: Type II diabetes mellitus. Identifiers: MedGen C0011860, MeSH D003924, MONDO:0005148, OMIM 125853, HP:0005978.
Nonpapillary renal cell carcinoma. Identifiers: Orphanet 422526, MedGen CN074294, MONDO:0007763, OMIM 144700.
Renal cysts and diabetes syndrome (RCAD). Also called: Familial hypoplastic, glomerulocystic kidney; MATURITY-ONSET DIABETES OF THE YOUNG, TYPE 5. Identifiers: Orphanet 93111, MedGen C0431693, MONDO:0007669, OMIM 137920.

Allele frequency attached by ClinVar (database versions not stated): gnomAD exomes below 0.00001; ExAC 0.00001; gnomAD 0.00001; TOPMed 0.00001.

Submissions (2):

Fulgent Genetics
Classification: Uncertain significance for Type 2 diabetes mellitus; Renal cysts and diabetes syndrome; Nonpapillary renal cell carcinoma. Last evaluated: 2023-12-26. Review status: criteria provided, single submitter. Criteria: ACMG Guidelines, 2015. Collection method: clinical testing. Allele origin: germline.

Ambry Genetics
Classification: Uncertain significance for Maturity-onset diabetes of the young. Last evaluated: 2023-04-24. Review status: criteria provided, single submitter. Criteria: Ambry Variant Classification Scheme 2023. Collection method: clinical testing. Allele origin: germline.
Comment: The c.988C>T (p.L330F) alteration is located in exon 4 (coding exon 4) of the HNF1B gene. This alteration results from a C to T substitution at nucleotide position 988, causing the leucine (L) at amino acid position 330 to be replaced by a phenylalanine (F). Based on data from gnomAD, the T allele has an overall frequency of <0.001% (1/251188) total alleles studied. The highest observed frequency was 0.006% (1/16228) of African alleles. This amino acid position is highly conserved in available vertebrate species. This alteration is predicted to be tolerated by in silico analysis. Based on insufficient or conflicting evidence, the clinical significance of this alteration remains unclear.

Literature cited by the submitters: PubMed 36793123 (cited by Ambry Genetics).

NM_000458.4(HNF1B):c.988C>T (p.Leu330Phe)

Gene: HNF1B (HNF1 homeobox B; minus strand). Cytogenetic location: 17q12.
Variant type: single nucleotide variant.
Coding change: c.988C>T on transcript NM_000458.4 (MANE Select); coding-DNA position 988, C replaced by T.
Protein change: p.Leu330Phe; replaces leucine 330 with phenylalanine.
Molecular consequence: missense variant.
Genome position (GRCh38, 1-based): chr17:37,731,652, G>A on the plus strand (C>T on the coding strand, the complement: HNF1B is on the minus strand). VCF-style: chr17-37731652-G-A. GRCh37 (hg19) VCF-style: chr17-36091643-G-A.
Other names: c.910C>T, p.Leu304Phe (NM_001165923.4, NM_001304286.2); c.988C>T, p.Leu330Phe (NM_001411100.1); short protein forms L304F, L330F.
Identifiers: ClinVar variation 2525968 (VCV002525968.3), dbSNP rs763078496, ClinGen allele CA8518959.
Genomic context (GRCh38, chr17:37,731,652, plus strand): 5'-TACCTGACAGCTTGTTTGGAGGAGAGGAGCTGGGCTGGTGGTGGGGGGAGCCGTGGGAGA[G>A]CAGAGGGTTCAGGCTGTGAGTCTGGTTGGAGCTATAGGCGTCCATGGCCAGCTTTTGCCG-3'
Protein context (NP_000449.1, residues 320-340): SNQTHSLNPL[Leu330Phe]SHGSPHHQPS